The following is an entry in ClinVar:

NM_002337.4(LRPAP1):c.691A>G (p.Ile231Val)

Gene: LRPAP1 (LDL receptor related protein associated protein 1; minus strand). Cytogenetic location: 4p16.3.
Variant type: single nucleotide variant.
Coding change: c.691A>G on transcript NM_002337.4 (MANE Select); coding-DNA position 691, A replaced by G.
Protein change: p.Ile231Val; replaces isoleucine 231 with valine.
Molecular consequence: missense variant. On other transcripts: non-coding transcript variant (1).
Genome position (GRCh38, 1-based): chr4:3,518,094, T>C on the plus strand (A>G on the coding strand, the complement: LRPAP1 is on the minus strand). VCF-style: chr4-3518094-T-C. GRCh37 (hg19) VCF-style: chr4-3519821-T-C.
Other names: short protein forms I231V.
Identifiers: ClinVar variation 2446613 (VCV002446613.1), dbSNP rs778899499, ClinGen allele CA2829886.
Genomic context (GRCh38, chr4:3,518,094, plus strand): 5'-CAGCCTCAGTGCTGTAGCCCTGGTGGCTGACCCTGCGCAGGCGGTCCAGGCCCTGGTTGA[T>C]GCTGCGCAGCTTCTCCTTCAGCTCCGTGTGCCTGCTGTGCAGGACGCTGCCCTTGATGTC-3'
Protein context (NP_002328.1, residues 221-241): HTELKEKLRS[Ile231Val]NQGLDRLRRV

ClinVar aggregate classification (germline): Uncertain significance (1 of 4 stars; one submission).

Allele frequency attached by ClinVar (database versions not stated): gnomAD exomes 0.00004; ExAC 0.00005; TOPMed 0.00006.
gnomAD v4.1: 22 of 1,613,288 alleles (0.0014%); highest among the groups gnomAD compares: Admixed American, 0.035%; no homozygotes.

Submission:

GeneDx
Classification: Uncertain significance. Last evaluated: 2022-09-27. Review status: criteria provided, single submitter. Criteria: GeneDx Variant Classification Process June 2021. Collection method: clinical testing. Allele origin: germline. Affected: yes.
Comment: In silico analysis supports that this missense variant does not alter protein structure/function; Has not been previously published as pathogenic or benign to our knowledge